The following is an entry in ClinVar:

ClinVar aggregate classification (germline): Uncertain significance (1 of 4 stars; one submission).

Conditions:
Tumor predisposition syndrome 3 (TPDS3). Also called: Glioma susceptibility 9; LONG TELOMERE SYNDROME, POT1-RELATED; POT1 Tumor Predisposition; Melanoma, cutaneous malignant, susceptibility to, 10. Identifiers: Orphanet 618, MedGen C4014476, MONDO:0014368, OMIM 615848.

Submission:

Labcorp Genetics (formerly Invitae), Labcorp
Classification: Uncertain significance for Tumor predisposition syndrome 3. Last evaluated: 2024-11-20. Review status: criteria provided, single submitter. Criteria: Invitae Variant Classification Sherloc (09022015). Collection method: clinical testing. Allele origin: germline.
Comment: This sequence change replaces serine, which is neutral and polar, with tyrosine, which is neutral and polar, at codon 283 of the POT1 protein (p.Ser283Tyr). This variant is not present in population databases (gnomAD no frequency). This variant has not been reported in the literature in individuals affected with POT1-related conditions. Invitae Evidence Modeling of protein sequence and biophysical properties (such as structural, functional, and spatial information, amino acid conservation, physicochemical variation, residue mobility, and thermodynamic stability) indicates that this missense variant is not expected to disrupt POT1 protein function with a negative predictive value of 80%. In summary, the available evidence is currently insufficient to determine the role of this variant in disease. Therefore, it has been classified as a Variant of Uncertain Significance.

NM_015450.3(POT1):c.848C>A (p.Ser283Tyr)

Gene: POT1 (protection of telomeres 1; minus strand). Cytogenetic location: 7q31.33.
Variant type: single nucleotide variant.
Coding change: c.848C>A on transcript NM_015450.3 (MANE Select); coding-DNA position 848, C replaced by A.
Protein change: p.Ser283Tyr; replaces serine 283 with tyrosine.
Molecular consequence: missense variant. On other transcripts: non-coding transcript variant (3).
Genome position (GRCh38, 1-based): chr7:124,852,993, G>T on the plus strand (C>A on the coding strand, the complement: POT1 is on the minus strand). VCF-style: chr7-124852993-G-T. GRCh37 (hg19) VCF-style: chr7-124493047-G-T.
Other names: c.455C>A, p.Ser152Tyr (NM_001042594.2); short protein forms S152Y, S283Y.
Identifiers: ClinVar variation 3709730 (VCV003709730.2).
Genomic context (GRCh38, chr7:124,852,993, plus strand): 5'-CGATACCTTATTTACATTTTCTAAATACTAAAAGCTTACTTTTTCAGTTGATCCACATCA[G>T]AGTTACTTTCTGGCAAGACCCTGATTCCCCGACCGTAACTGGTACCTCCATGAAGATGAA-3'
Protein context (NP_056265.2, residues 273-293): RGIRVLPESN[Ser283Tyr]DVDQLKKDLE